The following is an entry in ClinVar:

NC_000011.10:g.(?_108280985)_(108365518_?)del

Genes: ATM (ATM serine/threonine kinase; plus strand), C11orf65 (chromosome 11 open reading frame 65; minus strand), LOC129390354 (MPRA-validated peak1451 silencer; plus strand). Cytogenetic location: 11q22.3.
Variant type: Deletion.
Identifiers: ClinVar variation 666226 (VCV000666226.2).

ClinVar aggregate classification (germline): Pathogenic (1 of 4 stars; one submission).

Conditions:
Ataxia-telangiectasia syndrome (AT). Also called: Ataxia-telangiectasia, complementation group D; AT, COMPLEMENTATION GROUP C; Ataxia telangiectasia (A-T); Cerebello-oculocutaneous telangiectasia; Immunodeficiency with ataxia telangiectasia; ATAXIA-TELANGIECTASIA, COMPLEMENTATION GROUP A. Identifiers: Orphanet 100, MedGen C0004135, MONDO:0008840, OMIM 208900.

Submission:

Labcorp Genetics (formerly Invitae), Labcorp
Classification: Pathogenic for Ataxia-telangiectasia syndrome. Last evaluated: 2019-06-17. Review status: criteria provided, single submitter. Criteria: Invitae Variant Classification Sherloc (09022015). Collection method: clinical testing. Allele origin: germline.
Comment: This variant is a gross deletion of the genomic region encompassing exons 24-63 of the ATM gene. The 5' boundary is likely confined to intron 23. The 3' end of this event is unknown as it extends through the termination codon beyond the assayed region for this gene and may encompass additional genes. While this deletion is not anticipated to result in nonsense mediated decay, it is expected to create a truncated protein product or disrupt mRNA translation. Similar deletion of exons 24-63 has not been reported in the literature in individuals with ATM-related disease. Sub-genic deletion of exons 62-63 has been determined to be pathogenic (PMID: 9443866, 9792409, 25614872). Therefore, deletions that fully encompass that region are also expected to be pathogenic. For these reasons, this variant has been classified as Pathogenic.

Literature cited by the submitters: PubMed 9443866; PubMed 9792409; PubMed 25614872.